The following is an entry in ClinVar:

NM_012062.5(DNM1L):c.1141G>A (p.Val381Ile)

Gene: DNM1L (dynamin 1 like; plus strand). Cytogenetic location: 12p11.21.
Variant type: single nucleotide variant.
Coding change: c.1141G>A on transcript NM_012062.5 (MANE Select); coding-DNA position 1141, G replaced by A.
Protein change: p.Val381Ile; replaces valine 381 with isoleucine.
Molecular consequence: missense variant.
Genome position (GRCh38, 1-based): chr12:32,731,075, G>A. VCF-style: chr12-32731075-G-A. GRCh37 (hg19) VCF-style: chr12-32884009-G-A.
Other names: c.1141G>A, p.Val381Ile (NM_001278463.2, NM_005690.5, NM_012063.4); c.1180G>A, p.Val394Ile (NM_001278464.2, NM_001278465.2, NM_001330380.2); c.532G>A, p.Val178Ile (NM_001278466.2); short protein forms V178I, V381I, V394I.
Identifiers: ClinVar variation 1355014 (VCV001355014.6), dbSNP rs1954522309, ClinGen allele CA384357368.

ClinVar aggregate classification (germline): Uncertain significance (1 of 4 stars; one submission).

Allele frequency attached by ClinVar (database versions not stated): gnomAD exomes below 0.00001; TOPMed below 0.00001.
gnomAD v4.1: 7 of 1,613,916 alleles (0.00043%); highest among the groups gnomAD compares: Non-Finnish European, 0.00051%; no homozygotes.

Submission:

Labcorp Genetics (formerly Invitae), Labcorp
Classification: Uncertain significance. Last evaluated: 2024-08-24. Review status: criteria provided, single submitter. Criteria: Invitae Variant Classification Sherloc (09022015). Collection method: clinical testing. Allele origin: germline.
Comment: This sequence change replaces valine, which is neutral and non-polar, with isoleucine, which is neutral and non-polar, at codon 381 of the DNM1L protein (p.Val381Ile). This variant is not present in population databases (gnomAD no frequency). This variant has not been reported in the literature in individuals affected with DNM1L-related conditions. ClinVar contains an entry for this variant (Variation ID: 1355014). An algorithm developed to predict the effect of missense changes on protein structure and function (PolyPhen-2) suggests that this variant is likely to be tolerated. In summary, the available evidence is currently insufficient to determine the role of this variant in disease. Therefore, it has been classified as a Variant of Uncertain Significance.